The following is an entry in ClinVar:

ClinVar aggregate classification (germline): Benign/Likely benign. Review status: criteria provided, multiple submitters, no conflicts (2 of 4 stars). 10 submissions from 9 submitters: Benign (4); Likely benign (6). Last evaluated 2026-02-01.

Conditions:
Wiskott-Aldrich syndrome (WAS). Also called: ALDRICH SYNDROME; IMMUNODEFICIENCY 2; WISKOTT-ALDRICH SYNDROME 1; Wiskott-aldrich syndrome, somatic. Identifiers: Orphanet 906, MedGen C0043194, MONDO:0010518, OMIM 301000.
Werner syndrome (WRN). Identifiers: Orphanet 902, MedGen C0043119, MONDO:0010196, OMIM 277700.

Allele frequency attached by ClinVar (database versions not stated): gnomAD exomes 0.00044 and 0.00113; ExAC 0.00148; gnomAD 0.00477 and 0.00512; 1000 Genomes Project 0.00519; 1000 Genomes Project 30x 0.00547; TOPMed 0.00548; ESP Exome Variant Server 0.00554.
gnomAD v4.1: 1,371 of 1,613,032 alleles (0.085%); highest among the groups gnomAD compares: African/African-American, 1.7%; 9 homozygotes.

Submissions (10):

Labcorp Genetics (formerly Invitae), Labcorp
Classification: Benign for Werner syndrome. Last evaluated: 2026-02-01. Review status: criteria provided, single submitter. Criteria: Invitae Variant Classification Sherloc (09022015). Collection method: clinical testing. Allele origin: germline.

KCCC/NGS Laboratory, Kuwait Cancer Control Center
Classification: Benign for Werner syndrome. Last evaluated: 2025-02-01. Review status: criteria provided, single submitter. Criteria: ACMG Guidelines, 2015. Collection method: clinical testing. Allele origin: germline. Affected: no.

Mayo Clinic Laboratories, Mayo Clinic
Classification: Likely benign. Last evaluated: 2024-12-26. Review status: criteria provided, single submitter. Criteria: ACMG Guidelines, 2015. Collection method: clinical testing. Allele origin: germline. Observed: 2 variant alleles.
Comment: BS1, BP4, BP7

Blueprint Genetics
Classification: Likely benign. Last evaluated: 2024-08-28. Review status: criteria provided, single submitter. Criteria: ACMG Guidelines, 2015. Collection method: clinical testing. Allele origin: germline.

KCCC/NGS Laboratory, Kuwait Cancer Control Center
Classification: Benign for Wiskott-Aldrich syndrome. Last evaluated: 2023-07-07. Review status: criteria provided, single submitter. Criteria: ACMG Guidelines, 2015. Collection method: clinical testing. Allele origin: germline. Affected: yes.

Genome-Nilou Lab
Classification: Benign for Werner syndrome. Last evaluated: 2021-12-05. Review status: criteria provided, single submitter. Criteria: ACMG Guidelines, 2015. Collection method: clinical testing. Allele origin: germline. Affected: no.

Genetic Services Laboratory, University of Chicago
Classification: Likely benign. Last evaluated: 2021-11-19. Review status: criteria provided, single submitter. Criteria: ACMG Guidelines, 2015. Collection method: clinical testing. Allele origin: germline. Affected: no.

GeneDx
Classification: Likely benign. Last evaluated: 2021-04-20. Review status: criteria provided, single submitter. Criteria: GeneDx Variant Classification Process June 2021. Collection method: clinical testing. Allele origin: germline. Affected: yes.

Illumina Laboratory Services, Illumina
Classification: Likely benign for Werner syndrome. Last evaluated: 2018-01-13. Review status: criteria provided, single submitter. Criteria: ICSL Variant Classification Criteria 13 December 2019. Collection method: clinical testing. Allele origin: germline.
Comment: This variant was observed in the ICSL laboratory as part of a predisposition screen in an ostensibly healthy population. It had not been previously curated by ICSL or reported in the Human Gene Mutation Database (HGMD: prior to June 1st, 2018), and was therefore a candidate for classification through an automated scoring system. Utilizing variant allele frequency, disease prevalence and penetrance estimates, and inheritance mode, an automated score was calculated to assess if this variant is too frequent to cause the disease. Based on the score and internal cut-off values, a variant classified as likely benign is not then subjected to further curation. The score for this variant resulted in a classification of likely benign for this disease.

Breakthrough Genomics
Classification: Likely benign. Review status: criteria provided, single submitter. Criteria: ACMG Guidelines, 2015. Collection method: not provided. Allele origin: germline. Inheritance: Autosomal recessive inheritance. Affected: yes.

NM_000553.6(WRN):c.1788T>C (p.Ser596=)

Gene: WRN (WRN RecQ like helicase; plus strand). Cytogenetic location: 8p12.
Variant type: single nucleotide variant.
Coding change: c.1788T>C on transcript NM_000553.6 (MANE Select); coding-DNA position 1788, T replaced by C.
Protein change: p.Ser596=; no amino-acid change (serine 596 retained).
Molecular consequence: synonymous variant.
Genome position (GRCh38, 1-based): chr8:31,090,901, T>C. VCF-style: chr8-31090901-T-C. GRCh37 (hg19) VCF-style: chr8-30948417-T-C.
Other names: p.Ser596=.
Identifiers: ClinVar variation 238130 (VCV000238130.25), dbSNP rs13438803, ClinGen allele CA4704486.